The following is an entry in ClinVar:

ClinVar aggregate classification (germline): Uncertain significance (1 of 4 stars; one submission).

Allele frequency attached by ClinVar (database versions not stated): TOPMed below 0.00001; gnomAD 0.00001; gnomAD exomes 0.00001 and 0.00002.
gnomAD v4.1: 16 of 1,614,118 alleles (0.00099%); highest among the groups gnomAD compares: South Asian, 0.0022%; no homozygotes.

Submission:

Labcorp Genetics (formerly Invitae), Labcorp
Classification: Uncertain significance. Last evaluated: 2024-02-24. Review status: criteria provided, single submitter. Criteria: Invitae Variant Classification Sherloc (09022015). Collection method: clinical testing. Allele origin: germline.
Comment: This sequence change replaces glycine, which is neutral and non-polar, with alanine, which is neutral and non-polar, at codon 404 of the CNTNAP1 protein (p.Gly404Ala). This variant is present in population databases (no rsID available, gnomAD 0.003%). This variant has not been reported in the literature in individuals affected with CNTNAP1-related conditions. ClinVar contains an entry for this variant (Variation ID: 1427161). An algorithm developed to predict the effect of missense changes on protein structure and function (PolyPhen-2) suggests that this variant¬†is likely to be tolerated. In summary, the available evidence is currently insufficient to determine the role of this variant in disease. Therefore, it has been classified as a Variant of Uncertain Significance.

NM_003632.3(CNTNAP1):c.1211G>C (p.Gly404Ala)

Gene: CNTNAP1 (contactin associated protein 1; plus strand). Cytogenetic location: 17q21.2.
Variant type: single nucleotide variant.
Coding change: c.1211G>C on transcript NM_003632.3 (MANE Select); coding-DNA position 1211, G replaced by C.
Protein change: p.Gly404Ala; replaces glycine 404 with alanine.
Molecular consequence: missense variant.
Genome position (GRCh38, 1-based): chr17:42,687,886, G>C. VCF-style: chr17-42687886-G-C. GRCh37 (hg19) VCF-style: chr17-40839904-G-C.
Other names: short protein forms G404A.
Identifiers: ClinVar variation 1427161 (VCV001427161.4), dbSNP rs1373856191, ClinGen allele CA399638101.